The following is an entry in ClinVar:

NM_020778.5(ALPK3):c.4816C>T (p.Arg1606Trp)

Gene: ALPK3 (alpha kinase 3; plus strand). Cytogenetic location: 15q25.3.
Variant type: single nucleotide variant.
Coding change: c.4816C>T on transcript NM_020778.5 (MANE Select); coding-DNA position 4816, C replaced by T.
Protein change: p.Arg1606Trp; replaces arginine 1606 with tryptophan.
Molecular consequence: missense variant.
Genome position (GRCh38, 1-based): chr15:84,868,154, C>T. VCF-style: chr15-84868154-C-T. GRCh37 (hg19) VCF-style: chr15-85411385-C-T.
Other names: short protein forms R1606W.
Identifiers: ClinVar variation 1506104 (VCV001506104.13), dbSNP rs769796609, ClinGen allele CA7710098.

ClinVar aggregate classification (germline): Conflicting classifications of pathogenicity. Review status: criteria provided, conflicting classifications (1 of 4 stars). 4 submissions from 4 submitters: Uncertain significance (2); Likely benign (2). Last evaluated 2026-01-10.

Conditions:
Cardiovascular phenotype. Identifiers: MedGen CN230736.

Allele frequency attached by ClinVar (database versions not stated): TOPMed 0.00003.
gnomAD v4.1: 25 of 1,613,714 alleles (0.0015%); highest among the groups gnomAD compares: East Asian, 0.025%; no homozygotes.

Submissions (4):

Labcorp Genetics (formerly Invitae), Labcorp
Classification: Uncertain significance. Last evaluated: 2026-01-10. Review status: criteria provided, single submitter. Criteria: Invitae Variant Classification Sherloc (09022015). Collection method: clinical testing. Allele origin: germline.
Comment: This sequence change replaces arginine, which is basic and polar, with tryptophan, which is neutral and slightly polar, at codon 1808 of the ALPK3 protein (p.Arg1808Trp). This variant is present in population databases (rs769796609, gnomAD 0.05%). This missense change has been observed in individual(s) with left ventricular noncompaction (PMID: 31918855). ClinVar contains an entry for this variant (Variation ID: 1506104). Invitae Evidence Modeling of protein sequence and biophysical properties (such as structural, functional, and spatial information, amino acid conservation, physicochemical variation, residue mobility, and thermodynamic stability) indicates that this missense variant is not expected to disrupt ALPK3 protein function with a negative predictive value of 80%. In summary, the available evidence is currently insufficient to determine the role of this variant in disease. Therefore, it has been classified as a Variant of Uncertain Significance.

Ambry Genetics
Classification: Likely benign for Cardiovascular phenotype. Last evaluated: 2025-12-26. Review status: criteria provided, single submitter. Criteria: Ambry Variant Classification Scheme 2023. Collection method: clinical testing. Allele origin: germline.

GeneDx
Classification: Uncertain significance. Last evaluated: 2023-02-16. Review status: criteria provided, single submitter. Criteria: GeneDx Variant Classification Process June 2021. Collection method: clinical testing. Allele origin: germline. Affected: yes.
Comment: Identified in a patient with LVNC that underwent heart transplant (Liu et al., 2020); this patient also harbored a second nonsense variant in the ALPK3 gene; In silico analysis supports that this missense variant has a deleterious effect on protein structure/function; Also known as p.(R1808W); This variant is associated with the following publications: (PMID: 31918855)

Blueprint Genetics
Classification: Likely benign. Last evaluated: 2020-03-06. Review status: criteria provided, single submitter. Criteria: ACMG Guidelines, 2015. Collection method: clinical testing. Allele origin: germline.

Literature cited by the submitters: PubMed 31918855 (cited by Labcorp Genetics (formerly Invitae), Labcorp and Ambry Genetics).